The following is an entry in ClinVar:

NM_014324.6(AMACR):c.554T>C (p.Val185Ala)

Genes: AMACR (alpha-methylacyl-CoA racemase; minus strand), C1QTNF3-AMACR (C1QTNF3-AMACR readthrough (NMD candidate); minus strand). Cytogenetic location: 5p13.2.
Variant type: single nucleotide variant.
Coding change: c.554T>C on transcript NM_014324.6 (MANE Select); coding-DNA position 554, T replaced by C.
Protein change: p.Val185Ala; replaces valine 185 with alanine.
Molecular consequence: missense variant. On other transcripts: non-coding transcript variant (1), synonymous variant (1).
Genome position (GRCh38, 1-based): chr5:33,998,826, A>G on the plus strand (T>C on the coding strand, the complement: AMACR is on the minus strand). VCF-style: chr5-33998826-A-G. GRCh37 (hg19) VCF-style: chr5-33998931-A-G.
Other names: c.554T>C, p.Val185Ala (NM_001167595.2); c.393T>C, p.Gly131= (NM_203382.3); short protein forms V185A.
Identifiers: ClinVar variation 235439 (VCV000235439.65), dbSNP rs145786819, ClinGen allele CA3226165.

ClinVar aggregate classification (germline): Conflicting classifications of pathogenicity. Review status: criteria provided, conflicting classifications (1 of 4 stars). 9 submissions from 9 submitters: Uncertain significance (7); Likely benign (2). Last evaluated 2026-07-02.

Conditions:
AMACR-related disorder. Also called: AMACR-related condition; AMACR-Related Disorders.
Alpha-methylacyl-CoA racemase deficiency (AMACRD). Also called: AMACR deficiency. Identifiers: Orphanet 79095, MedGen C3280428, MONDO:0013681, OMIM 614307. Disease mechanism: loss of function.

Allele frequency attached by ClinVar (database versions not stated): 1000 Genomes Project 30x 0.00016; 1000 Genomes Project 0.00020; ESP Exome Variant Server 0.00046; gnomAD 0.00082 and 0.00084; ExAC 0.00092; TOPMed 0.00094; gnomAD exomes 0.00095 and 0.00114.
gnomAD v4.1: 1,790 of 1,613,938 alleles (0.11%); highest among the groups gnomAD compares: South Asian, 0.15%; 4 homozygotes.

Submissions (9):

PreventionGenetics, part of Exact Sciences
Classification: Uncertain significance for AMACR-related condition. Last evaluated: 2026-07-02. Review status: criteria provided, single submitter. Criteria: ACMG Guidelines, 2015. Collection method: clinical testing. Allele origin: germline.
Comment: The AMACR c.554T>C variant is predicted to result in the amino acid substitution p.Val185Ala. This variant was reported in an individual with complex I deficiency and an individual with ataxia (Table S2, Calvo et al. 2010. PubMed ID: 20818383; Table 2, Fogel et al. 2014. PubMed ID: 25133958). This variant is reported in 0.15% of alleles in individuals of South Asian descent in gnomAD, including a homozygous observation. Although we suspect that this variant may be benign, at this time, the clinical significance of this variant is uncertain due to the absence of conclusive functional and genetic evidence.

Mayo Clinic Laboratories, Mayo Clinic
Classification: Uncertain significance. Last evaluated: 2025-02-06. Review status: criteria provided, single submitter. Criteria: ACMG Guidelines, 2015. Collection method: clinical testing. Allele origin: germline. Observed: 6 variant alleles.

Labcorp Genetics (formerly Invitae), Labcorp
Classification: Uncertain significance for Alpha-methylacyl-CoA racemase deficiency. Last evaluated: 2025-02-03. Review status: criteria provided, single submitter. Criteria: Invitae Variant Classification Sherloc (09022015). Collection method: clinical testing. Allele origin: germline.
Comment: This sequence change replaces valine, which is neutral and non-polar, with alanine, which is neutral and non-polar, at codon 185 of the AMACR protein (p.Val185Ala). This variant is present in population databases (rs145786819, gnomAD 0.2%), including at least one homozygous and/or hemizygous individual. This missense change has been observed in individual(s) with clinical features of AMACR-related conditions (PMID: 20818383, 25133958). ClinVar contains an entry for this variant (Variation ID: 235439). An algorithm developed to predict the effect of missense changes on protein structure and function (PolyPhen-2) suggests that this variant is likely to be disruptive. In summary, the available evidence is currently insufficient to determine the role of this variant in disease. Therefore, it has been classified as a Variant of Uncertain Significance.

Blueprint Genetics
Classification: Likely benign. Last evaluated: 2024-11-26. Review status: criteria provided, single submitter. Criteria: ACMG Guidelines, 2015. Collection method: clinical testing. Allele origin: germline.

ARUP Laboratories, Molecular Genetics and Genomics, ARUP Laboratories
Classification: Uncertain significance. Last evaluated: 2021-11-30. Review status: criteria provided, single submitter. Criteria: ARUP Molecular Germline Variant Investigation Process 2021. Collection method: clinical testing. Allele origin: germline.

Eurofins Ntd Llc (ga)
Classification: Uncertain significance. Last evaluated: 2017-11-21. Review status: criteria provided, single submitter. Criteria: EGL Classification Definitions 2015. Collection method: clinical testing. Allele origin: germline. Observed: 4 variant alleles, 4 heterozygotes.

Illumina Laboratory Services, Illumina
Classification: Uncertain significance for Alpha-methylacyl-CoA racemase deficiency. Last evaluated: 2017-04-27. Review status: criteria provided, single submitter. Criteria: ICSL Variant Classification Criteria 13 December 2019. Collection method: clinical testing. Allele origin: germline.
Comment: This variant was observed as part of a predisposition screen in an ostensibly healthy population. A literature search was performed for the gene, cDNA change, and amino acid change (where applicable). Publications were found based on this search. However, the evidence from the literature, in combination with allele frequency data from public databases where available, was not sufficient to rule this variant in or out of causing disease. Therefore, this variant is classified as a variant of unknown significance.

CeGaT Center for Human Genetics Tuebingen
Classification: Uncertain significance. Last evaluated: 2016-05-01. Review status: criteria provided, single submitter. Criteria: CeGaT Center For Human Genetics Tuebingen Variant Classification Criteria Version 2. Collection method: clinical testing. Allele origin: germline. Affected: yes. Observed: 1 variant allele.

Center for Pediatric Genomic Medicine, Children's Mercy Hospital and Clinics
Classification: Likely benign. Last evaluated: 2016-01-29. Review status: criteria provided, single submitter. Criteria: ACMG Guidelines, 2015. Collection method: clinical testing. Allele origin: germline.
ClinVar note: Converted during submission from Likely Benign to Likely benign.

Literature cited by the submitters: PubMed 20818383 (cited by 3 submitters); PubMed 25133958 (cited by 3 submitters); PubMed 33233646 (cited by Mayo Clinic Laboratories, Mayo Clinic); PubMed 12438241 (cited by Illumina Laboratory Services, Illumina).